The following is an entry in ClinVar:

NM_000138.5(FBN1):c.1603T>G (p.Leu535Val)

Gene: FBN1 (fibrillin 1; minus strand). Cytogenetic location: 15q21.1.
Variant type: single nucleotide variant.
Coding change: c.1603T>G on transcript NM_000138.5 (MANE Select); coding-DNA position 1603, T replaced by G.
Protein change: p.Leu535Val; replaces leucine 535 with valine.
Molecular consequence: missense variant.
Genome position (GRCh38, 1-based): chr15:48,510,155, A>C on the plus strand (T>G on the coding strand, the complement: FBN1 is on the minus strand). VCF-style: chr15-48510155-A-C. GRCh37 (hg19) VCF-style: chr15-48802352-A-C.
Other names: c.1603T>G, p.Leu535Val (NM_001406716.1); short protein forms L535V.
Identifiers: ClinVar variation 2938795 (VCV002938795.3), dbSNP rs1485432119, ClinGen allele CA392341344.
Genomic context (GRCh38, chr15:48,510,155, plus strand): 5'-AATGAAAACTGCCATCTGTGTTGATGCAGCGTCCATTATTGCAGATCCGGCCATTCTGTA[A>C]ACACTCATCAATGTCTAAAATCAAAGTTTAAAAAGAAGAAATAGCTTTATTTAGGGGAGT-3'
Protein context (NP_000129.3, residues 525-545): RTECRDIDEC[Leu535Val]QNGRICNNGR

ClinVar aggregate classification (germline): Uncertain significance (1 of 4 stars; one submission).

Conditions:
Marfan syndrome (MFS). Also called: MARFAN SYNDROME, TYPE I; Marfan syndrome type 1; Marfan's syndrome; Marfan syndrome, classic; FBN1-Related Marfan Syndrome. Identifiers: Orphanet 284963, Orphanet 558, MedGen C0024796, MONDO:0007947, OMIM 154700.
Familial thoracic aortic aneurysm and aortic dissection (TAAD). Also called: Thoracic aortic aneurysms and dissections. Identifiers: Orphanet 91387, MedGen C4707243, MONDO:0019625.

Submission:

Labcorp Genetics (formerly Invitae), Labcorp
Classification: Uncertain significance for Marfan syndrome; Familial thoracic aortic aneurysm and aortic dissection. Last evaluated: 2026-01-20. Review status: criteria provided, single submitter. Criteria: Invitae Variant Classification Sherloc (09022015). Collection method: clinical testing. Allele origin: germline.
Comment: This sequence change replaces leucine, which is neutral and non-polar, with valine, which is neutral and non-polar, at codon 535 of the FBN1 protein (p.Leu535Val). This variant is not present in population databases (gnomAD no frequency). This variant has not been reported in the literature in individuals affected with FBN1-related conditions. ClinVar contains an entry for this variant (Variation ID: 2938795). Invitae Evidence Modeling of protein sequence and biophysical properties (such as structural, functional, and spatial information, amino acid conservation, physicochemical variation, residue mobility, and thermodynamic stability) indicates that this missense variant is not expected to disrupt FBN1 protein function with a negative predictive value of 95%. In summary, the available evidence is currently insufficient to determine the role of this variant in disease. Therefore, it has been classified as a Variant of Uncertain Significance.